The following is an entry in ClinVar:

NM_021814.5(ELOVL5):c.325A>C (p.Ile109Leu)

Gene: ELOVL5 (ELOVL fatty acid elongase 5; minus strand). Cytogenetic location: 6p12.1.
Variant type: single nucleotide variant.
Coding change: c.325A>C on transcript NM_021814.5 (MANE Select); coding-DNA position 325, A replaced by C.
Protein change: p.Ile109Leu; replaces isoleucine 109 with leucine.
Molecular consequence: missense variant.
Genome position (GRCh38, 1-based): chr6:53,275,261, T>G on the plus strand (A>C on the coding strand, the complement: ELOVL5 is on the minus strand). VCF-style: chr6-53275261-T-G. GRCh37 (hg19) VCF-style: chr6-53140059-T-G.
Other names: c.406A>C (NM_001242828.1); c.406A>C, p.Ile136Leu (NM_001242828.2); c.325A>C, p.Ile109Leu (NM_001242830.2, NM_001301856.2); short protein forms I109L, I136L.
Identifiers: ClinVar variation 2991220 (VCV002991220.4), dbSNP rs558953131, ClinGen allele CA3859735.

ClinVar aggregate classification (germline): Uncertain significance. Review status: criteria provided, multiple submitters, no conflicts (2 of 4 stars). 2 submissions from 2 submitters: Uncertain significance (2). Last evaluated 2024-10-19.

Conditions:
Inborn genetic diseases. Identifiers: MedGen C0950123, MeSH D030342.

Allele frequency attached by ClinVar (database versions not stated): ExAC 0.00001; TOPMed 0.00001; gnomAD 0.00003.
gnomAD v4.1: 43 of 1,613,856 alleles (0.0027%); highest among the groups gnomAD compares: Non-Finnish European, 0.0033%; no homozygotes.

Submissions (2):

Ambry Genetics
Classification: Uncertain significance for Inborn genetic diseases. Last evaluated: 2024-10-19. Review status: criteria provided, single submitter. Criteria: Ambry Variant Classification Scheme 2023. Collection method: clinical testing. Allele origin: germline.

Labcorp Genetics (formerly Invitae), Labcorp
Classification: Uncertain significance. Last evaluated: 2023-06-25. Review status: criteria provided, single submitter. Criteria: Invitae Variant Classification Sherloc (09022015). Collection method: clinical testing. Allele origin: germline.
Comment: An algorithm developed to predict the effect of missense changes on protein structure and function (PolyPhen-2) suggests that this variant is likely to be tolerated. This sequence change replaces isoleucine, which is neutral and non-polar, with leucine, which is neutral and non-polar, at codon 109 of the ELOVL5 protein (p.Ile109Leu). This variant is present in population databases (rs558953131, gnomAD 0.004%). This variant has not been reported in the literature in individuals affected with ELOVL5-related conditions. In summary, the available evidence is currently insufficient to determine the role of this variant in disease. Therefore, it has been classified as a Variant of Uncertain Significance.